The following is an entry in ClinVar:

NM_001034850.3(RETREG1):c.338C>A (p.Pro113Gln)

Gene: RETREG1 (reticulophagy regulator 1; minus strand). Cytogenetic location: 5p15.1.
Variant type: single nucleotide variant.
Coding change: c.338C>A on transcript NM_001034850.3 (MANE Select); coding-DNA position 338, C replaced by A.
Protein change: p.Pro113Gln; replaces proline 113 with glutamine.
Molecular consequence: missense variant.
Genome position (GRCh38, 1-based): chr5:16,572,085, G>T on the plus strand (C>A on the coding strand, the complement: RETREG1 is on the minus strand). VCF-style: chr5-16572085-G-T. GRCh37 (hg19) VCF-style: chr5-16572194-G-T.
Other names: short protein forms P113Q.
Identifiers: ClinVar variation 1377082 (VCV001377082.6), dbSNP rs2126633544, ClinGen allele CA359292510.

ClinVar aggregate classification (germline): Uncertain significance (1 of 4 stars; one submission).

Submission:

Labcorp Genetics (formerly Invitae), Labcorp
Classification: Uncertain significance. Last evaluated: 2021-08-23. Review status: criteria provided, single submitter. Criteria: Invitae Variant Classification Sherloc (09022015). Collection method: clinical testing. Allele origin: germline.
Comment: This sequence change replaces proline with glutamine at codon 113 of the RETREG1 protein (p.Pro113Gln). The proline residue is highly conserved and there is a moderate physicochemical difference between proline and glutamine. This variant is not present in population databases (ExAC no frequency). This variant has not been reported in the literature in individuals affected with RETREG1-related conditions. Algorithms developed to predict the effect of missense changes on protein structure and function are either unavailable or do not agree on the potential impact of this missense change (SIFT: "Deleterious"; PolyPhen-2: "Benign"; Align-GVGD: "Class C0"). In summary, the available evidence is currently insufficient to determine the role of this variant in disease. Therefore, it has been classified as a Variant of Uncertain Significance.